The following is an entry in ClinVar:

NM_001256789.3(CACNA1F):c.532G>A (p.Val178Ile)

Gene: CACNA1F (calcium voltage-gated channel subunit alpha1 F; minus strand). Cytogenetic location: Xp11.23.
Variant type: single nucleotide variant.
Coding change: c.532G>A on transcript NM_001256789.3 (MANE Select); coding-DNA position 532, G replaced by A.
Protein change: p.Val178Ile; replaces valine 178 with isoleucine.
Molecular consequence: missense variant.
Genome position (GRCh38, 1-based): chrX:49,230,599, C>T on the plus strand (G>A on the coding strand, the complement: CACNA1F is on the minus strand). VCF-style: chrX-49230599-C-T. GRCh37 (hg19) VCF-style: chrX-49087061-C-T.
Other names: c.337G>A, p.Val113Ile (NM_001256790.3); c.532G>A, p.Val178Ile (NM_005183.4); c.532G>A (NM_005183.3); short protein forms V113I, V178I.
Identifiers: ClinVar variation 1354917 (VCV001354917.7), dbSNP rs2147924566, ClinGen allele CA412925640.

ClinVar aggregate classification (germline): Uncertain significance. Review status: criteria provided, multiple submitters, no conflicts (2 of 4 stars). 2 submissions from 2 submitters: Uncertain significance (2). Last evaluated 2025-05-28.

Conditions:
CACNA1F-related disorder. Also called: CACNA1F-related condition.

gnomAD v4.1: 1 of 1,168,163 alleles (0.000086%); highest among the groups gnomAD compares: Admixed American, 0.0025%; no homozygotes.

Submissions (2):

PreventionGenetics, part of Exact Sciences
Classification: Uncertain significance for CACNA1F-related condition. Last evaluated: 2025-05-28. Review status: criteria provided, single submitter. Criteria: ACMG Guidelines, 2015. Collection method: clinical testing. Allele origin: germline.
Comment: The CACNA1F c.532G>A variant is predicted to result in the amino acid substitution p.Val178Ile. To our knowledge, this variant has not been reported in the literature or in a large population database (gnomAD), indicating this variant is rare. At this time, the clinical significance of this variant is uncertain due to the absence of conclusive functional and genetic evidence.

Labcorp Genetics (formerly Invitae), Labcorp
Classification: Uncertain significance. Last evaluated: 2022-09-30. Review status: criteria provided, single submitter. Criteria: Invitae Variant Classification Sherloc (09022015). Collection method: clinical testing. Allele origin: germline.
Comment: In summary, the available evidence is currently insufficient to determine the role of this variant in disease. Therefore, it has been classified as a Variant of Uncertain Significance. Advanced modeling of protein sequence and biophysical properties (such as structural, functional, and spatial information, amino acid conservation, physicochemical variation, residue mobility, and thermodynamic stability) performed at Invitae indicates that this missense variant is not expected to disrupt CACNA1F protein function. ClinVar contains an entry for this variant (Variation ID: 1354917). This variant has not been reported in the literature in individuals affected with CACNA1F-related conditions. This variant is not present in population databases (gnomAD no frequency). This sequence change replaces valine, which is neutral and non-polar, with isoleucine, which is neutral and non-polar, at codon 178 of the CACNA1F protein (p.Val178Ile).